The following is an entry in ClinVar:

NM_000038.6(APC):c.8166G>C (p.Leu2722=)

Gene: APC (APC regulator of Wnt signaling pathway; plus strand). Cytogenetic location: 5q22.2.
Variant type: single nucleotide variant.
Coding change: c.8166G>C on transcript NM_000038.6 (MANE Select); coding-DNA position 8166, G replaced by C.
Protein change: p.Leu2722=; no amino-acid change (leucine 2722 retained).
Molecular consequence: synonymous variant.
Genome position (GRCh38, 1-based): chr5:112,843,760, G>C. VCF-style: chr5-112843760-G-C. GRCh37 (hg19) VCF-style: chr5-112179457-G-C.
Other names: c.8166G>C, p.Leu2722= (NM_001127510.3, NM_001354895.2); c.8112G>C, p.Leu2704= (NM_001127511.3); c.8220G>C, p.Leu2740= (NM_001354896.2); c.8196G>C, p.Leu2732= (NM_001354897.2); c.8091G>C, p.Leu2697= (NM_001354898.2); c.8082G>C, p.Leu2694= (NM_001354899.2); c.8043G>C, p.Leu2681= (NM_001354900.2); c.7989G>C, p.Leu2663= (NM_001354901.2); and 5 more.
Identifiers: ClinVar variation 1132232 (VCV001132232.11), dbSNP rs768031368, ClinGen allele CA446211253.

ClinVar aggregate classification (germline): Benign/Likely benign. Review status: criteria provided, multiple submitters, no conflicts (2 of 4 stars). 2 submissions from 2 submitters: Benign (1); Likely benign (1). Last evaluated 2024-04-30.

Conditions:
Familial adenomatous polyposis 1 (FAP1). Also called: FAMILIAL ADENOMATOUS POLYPOSIS 1, ATTENUATED; POLYPOSIS, ADENOMATOUS INTESTINAL. Identifiers: MedGen C2713442, MONDO:0021056, OMIM 175100. Disease mechanism: loss of function.

Submissions (2):

Labcorp Genetics (formerly Invitae), Labcorp
Classification: Likely benign for Familial adenomatous polyposis 1. Last evaluated: 2024-04-30. Review status: criteria provided, single submitter. Criteria: Invitae Variant Classification Sherloc (09022015). Collection method: clinical testing. Allele origin: germline.

Myriad Genetics, Inc.
Classification: Benign for Familial adenomatous polyposis 1. Last evaluated: 2024-04-12. Review status: criteria provided, single submitter. Criteria: Myriad Autosomal Dominant, Autosomal Recessive and X-Linked Classification Criteria (2023). Collection method: clinical testing. Allele origin: unknown.
Comment: This variant is considered benign. This variant is a silent/synonymous amino acid change and it is not expected to impact splicing.